The following is an entry in ClinVar:

NM_144997.7(FLCN):c.1491G>A (p.Val497=)

Gene: FLCN (folliculin; minus strand). Cytogenetic location: 17p11.2.
Variant type: single nucleotide variant.
Coding change: c.1491G>A on transcript NM_144997.7 (MANE Select); coding-DNA position 1491, G replaced by A.
Protein change: p.Val497=; no amino-acid change (valine 497 retained).
Molecular consequence: synonymous variant.
Genome position (GRCh38, 1-based): chr17:17,215,032, C>T on the plus strand (G>A on the coding strand, the complement: FLCN is on the minus strand). VCF-style: chr17-17215032-C-T. GRCh37 (hg19) VCF-style: chr17-17118346-C-T.
Other names: c.1545G>A, p.Val515= (NM_001353229.2); c.1491G>A, p.Val497= (NM_001353230.2, NM_001353231.2).
Identifiers: ClinVar variation 2003293 (VCV002003293.5), dbSNP rs2144832308, ClinGen allele CA498421031.

ClinVar aggregate classification (germline): Benign/Likely benign. Review status: criteria provided, multiple submitters, no conflicts (2 of 4 stars). 2 submissions from 2 submitters: Benign (1); Likely benign (1). Last evaluated 2024-10-25.

Conditions:
Birt-Hogg-Dube syndrome 1 (BHD1). Also called: FIBROFOLLICULOMAS WITH TRICHODISCOMAS AND ACROCHORDONS. Identifiers: Orphanet 122, MedGen CN375946, MONDO:0800445, OMIM 135150.
Birt-Hogg-Dube syndrome. Also called: Birt Hogg Dubé syndrome. Identifiers: Orphanet 122, MedGen C0346010, MONDO:0800444.

Submissions (2):

Myriad Genetics, Inc.
Classification: Benign for Birt-Hogg-Dube syndrome 1. Last evaluated: 2024-10-25. Review status: criteria provided, single submitter. Criteria: Myriad Autosomal Dominant, Autosomal Recessive and X-Linked Classification Criteria (2023). Collection method: clinical testing. Allele origin: unknown.
Comment: This variant is considered benign. This variant is a silent/synonymous amino acid change and it is not expected to impact splicing.

Labcorp Genetics (formerly Invitae), Labcorp
Classification: Likely benign for Birt-Hogg-Dube syndrome. Last evaluated: 2022-06-08. Review status: criteria provided, single submitter. Criteria: Invitae Variant Classification Sherloc (09022015). Collection method: clinical testing. Allele origin: germline.